The following is an entry in ClinVar:

ClinVar aggregate classification (germline): Uncertain significance. Review status: criteria provided, multiple submitters, no conflicts (2 of 4 stars). 2 submissions from 2 submitters: Uncertain significance (2). Last evaluated 2025-01-08.

Allele frequency attached by ClinVar (database versions not stated): ExAC 0.00002; gnomAD exomes 0.00002; gnomAD 0.00005; TOPMed 0.00005.
gnomAD v4.1: 42 of 1,613,956 alleles (0.0026%); highest among the groups gnomAD compares: African/African-American, 0.016%; no homozygotes.

Submissions (2):

Labcorp Genetics (formerly Invitae), Labcorp
Classification: Uncertain significance. Last evaluated: 2025-01-08. Review status: criteria provided, single submitter. Criteria: Invitae Variant Classification Sherloc (09022015). Collection method: clinical testing. Allele origin: germline.
Comment: This sequence change replaces arginine, which is basic and polar, with glutamine, which is neutral and polar, at codon 17 of the TAB2 protein (p.Arg17Gln). This variant is present in population databases (rs750887196, gnomAD 0.01%). This variant has not been reported in the literature in individuals affected with TAB2-related conditions. ClinVar contains an entry for this variant (Variation ID: 2662697). Invitae Evidence Modeling of protein sequence and biophysical properties (such as structural, functional, and spatial information, amino acid conservation, physicochemical variation, residue mobility, and thermodynamic stability) indicates that this missense variant is not expected to disrupt TAB2 protein function with a negative predictive value of 80%. In summary, the available evidence is currently insufficient to determine the role of this variant in disease. Therefore, it has been classified as a Variant of Uncertain Significance.

GeneDx
Classification: Uncertain significance. Last evaluated: 2023-04-14. Review status: criteria provided, single submitter. Criteria: GeneDx Variant Classification Process June 2021. Collection method: clinical testing. Allele origin: germline. Affected: yes.
Comment: Not observed at significant frequency in large population cohorts (gnomAD); In silico analysis supports that this missense variant does not alter protein structure/function; Has not been previously published as pathogenic or benign to our knowledge

NM_001292034.3(TAB2):c.50G>A (p.Arg17Gln)

Gene: TAB2 (TGF-beta activated kinase 1 (MAP3K7) binding protein 2; plus strand). Cytogenetic location: 6q25.1.
Variant type: single nucleotide variant.
Coding change: c.50G>A on transcript NM_001292034.3 (MANE Select); coding-DNA position 50, G replaced by A.
Protein change: p.Arg17Gln; replaces arginine 17 with glutamine.
Molecular consequence: missense variant. On other transcripts: intron variant (1).
Genome position (GRCh38, 1-based): chr6:149,370,047, G>A. VCF-style: chr6-149370047-G-A. GRCh37 (hg19) VCF-style: chr6-149691183-G-A.
Other names: c.50G>A, p.Arg17Gln (NM_001369506.1, NM_015093.6); c.7-7971G>A (NM_001292035.3); short protein forms R17Q.
Identifiers: ClinVar variation 2662697 (VCV002662697.3), dbSNP rs750887196, ClinGen allele CA4041331.